The following is an entry in ClinVar:

ClinVar aggregate classification (germline): Uncertain significance (1 of 4 stars; one submission).

Conditions:
Aortic aneurysm, familial thoracic 7 (AAT7). Also called: AORTIC DISSECTION, FAMILIAL, WITH OR WITHOUT AORTIC ANEURYSM. Identifiers: MedGen C3151077, MONDO:0013418, OMIM 613780.

gnomAD v4.1: 1 of 1,614,010 alleles (0.000062%); highest among the groups gnomAD compares: East Asian, 0.0022%; no homozygotes.

Submission:

Labcorp Genetics (formerly Invitae), Labcorp
Classification: Uncertain significance for Aortic aneurysm, familial thoracic 7. Last evaluated: 2025-12-30. Review status: criteria provided, single submitter. Criteria: Invitae Variant Classification Sherloc (09022015). Collection method: clinical testing. Allele origin: germline.
Comment: This sequence change replaces glutamine, which is neutral and polar, with glutamic acid, which is acidic and polar, at codon 1364 of the MYLK protein (p.Gln1364Glu). This variant is not present in population databases (gnomAD no frequency). This variant has not been reported in the literature in individuals affected with MYLK-related conditions. Invitae Evidence Modeling of protein sequence and biophysical properties (such as structural, functional, and spatial information, amino acid conservation, physicochemical variation, residue mobility, and thermodynamic stability) indicates that this missense variant is not expected to disrupt MYLK protein function with a negative predictive value of 80%. In summary, the available evidence is currently insufficient to determine the role of this variant in disease. Therefore, it has been classified as a Variant of Uncertain Significance.

NM_053025.4(MYLK):c.4090C>G (p.Gln1364Glu)

Gene: MYLK (myosin light chain kinase; minus strand). Cytogenetic location: 3q21.1.
Variant type: single nucleotide variant.
Coding change: c.4090C>G on transcript NM_053025.4 (MANE Select); coding-DNA position 4090, C replaced by G.
Protein change: p.Gln1364Glu; replaces glutamine 1364 with glutamic acid.
Molecular consequence: missense variant.
Genome position (GRCh38, 1-based): chr3:123,657,324, G>C on the plus strand (C>G on the coding strand, the complement: MYLK is on the minus strand). VCF-style: chr3-123657324-G-C. GRCh37 (hg19) VCF-style: chr3-123376171-G-C.
Other names: c.3562C>G, p.Gln1188Glu (NM_001321309.2); c.3883C>G, p.Gln1295Glu (NM_053026.4, NM_053028.4); c.4090C>G, p.Gln1364Glu (NM_053027.4); short protein forms Q1295E, Q1364E, Q1188E.
Identifiers: ClinVar variation 4738783 (VCV004738783.1).